The following is an entry in ClinVar:

NM_198076.6(COX20):c.42+156dup

Genes: COX20 (cytochrome c oxidase assembly factor COX20; plus strand), LOC129932912 (ATAC-STARR-seq lymphoblastoid silent region 2019; plus strand). Cytogenetic location: 1q44.
Variant type: Duplication.
Coding change: c.42+156dup on transcript NM_198076.6 (MANE Select); 156 bases into the intron after coding-DNA position 42, one base duplicated (C; older notation c.42+156dupC).
Molecular consequence: intron variant.
Genome position (GRCh38, 1-based): chr1:244,835,912, C duplicated; the last of 2 consecutive C bases (chr1:244,835,911-244,835,912); duplicating either gives the same sequence. VCF-style (leftmost placement, unchanged base first): chr1-244835910-T-TC. GRCh37 (hg19) VCF-style: chr1-244999212-T-TC.
Other names: c.42+156dup (NM_001312871.1, NM_001312872.1, NM_001312874.1); c.22+176dup (NM_001312873.1).
Identifiers: ClinVar variation 1704931 (VCV001704931.2), dbSNP rs142283268, ClinGen allele CA41129643.

ClinVar aggregate classification (germline): Likely benign (1 of 4 stars; one submission).

Submission:

GeneDx
Classification: Likely benign. Last evaluated: 2020-07-10. Review status: criteria provided, single submitter. Criteria: GeneDx Variant Classification Process June 2021. Collection method: clinical testing. Allele origin: germline. Affected: yes.
Comment: See Variant Classification Assertion Criteria.